The following is an entry in ClinVar:

ClinVar aggregate classification (germline): not provided (0 of 4 stars; one submission).

Conditions:
Gestational diabetes mellitus uncontrolled. Identifiers: MedGen C3532257.

Submission:

Institute of Molecular and Cell Biology, University of Tartu
No classification provided. Condition: Gestational diabetes mellitus uncontrolled. Review status: no classification provided. Collection method: case-control. Allele origin: unknown. Affected: yes. Study: Kasak2014.
Comment: The study aimed to determine the contribution of copy number variants in the genetic etiology of normal and complicated pregnancies. The samples represented (i) maternal blood DNA drawn from healthy pregnant women during 1st or 2nd trimester and (ii) maternal and paternal blood DNA drawn at term pregnancy cases representing normal and complicated gestations (severe preeclampsia, PE; gestational diabetes, GD; small-for-gestational age newborn, SGA; large-for-gestational age newborn, LGA). We performed CNV calling based on genome-wide genotyping dataset (Illumina HumanOmniExpress-24-v1 BeadChip) by applying three algorithms, QuantiSNP, GADA (Genome Alteration Detection Algorithm) and CNstream in parallel. The acquired CNV calls were merged with HD-CNV (Hotspot Detector for Copy Number Variants) program and only the CNVs predicted by at least two programs, were considered in subsequent analysis.

Literature cited by the submitters: PubMed 25666259.

Single allele

Gene: TRH-GTG2-1 (tRNA-His (GTG) 2-1). Cytogenetic location: 1q21.2.
Variant type: Deletion.
Identifiers: ClinVar variation 156758 (VCV000156758.2).